The following is an entry in ClinVar:

ClinVar aggregate classification (germline): Uncertain significance (1 of 4 stars; one submission).

Submission:

Women's Health and Genetics/Laboratory Corporation of America, LabCorp
Classification: Uncertain significance. Last evaluated: 2026-03-18. Review status: criteria provided, single submitter. Criteria: LabCorp Variant Classification Summary - May 2015. Collection method: clinical testing. Allele origin: germline.
Comment: Variant summary: GAL c.*15_*16delinsCA is part of a multinucleotide combination of 11-68458470-T-C (c.*15T>C) and 11-68458471-G-A (c.*16G>A) located in the untranslated mRNA region downstream of the termination codon. Based on the frequency of the least prevalent allele, namely c.*16G>A, it can be estimated that the multi-nucleotide variant allele will be found at a frequency not to exceed 1.4e-05 in 282436 control chromosomes. The available data on variant occurrences in the general population are insufficient to allow any conclusion about variant significance. To our knowledge, no occurrence of c.*15_*16delinsCA in individuals affected with GAL-related conditions and no experimental evidence demonstrating its impact on protein function have been reported. No submitters have cited clinical-significance assessments for this variant to ClinVar. Based on the evidence outlined above, the variant was classified as uncertain significance.

NM_015973.5(GAL):c.*15_*16inv

Gene: GAL (galanin and GMAP prepropeptide; plus strand). Cytogenetic location: 11q13.2.
Variant type: Inversion.
Coding change: c.*15_*16inv on transcript NM_015973.5 (MANE Select).
Molecular consequence: 3 prime UTR variant.
Genome position: GRCh38 VCF-style: chr11-68691002-TG-CA. GRCh37 (hg19) VCF-style: chr11-68458470-TG-CA.
Other names: c.*15_*16delinsCA (NM_015973.5).
Identifiers: ClinVar variation 4847096 (VCV004847096.1).
Genomic context (GRCh38, chr11:68,691,002, plus strand): 5'-GGATCTCCCCGCCGCAGCCTCCTCAGAAGACATCGAGCGGTCCTGAGAGCCTCCTGGGCA[TG>CA]TTTGTCTGTGTGCTGTAACCTGAAGTCAAACCTTAAGATAATGGATAATCTTCGGCCAAT-3'